The following is an entry in ClinVar:

NM_002834.5(PTPN11):c.477G>T (p.Glu159Asp)

Gene: PTPN11 (protein tyrosine phosphatase non-receptor type 11; plus strand). Cytogenetic location: 12q24.13.
Variant type: single nucleotide variant.
Coding change: c.477G>T on transcript NM_002834.5 (MANE Select); coding-DNA position 477, G replaced by T.
Protein change: p.Glu159Asp; replaces glutamic acid 159 with aspartic acid.
Molecular consequence: missense variant.
Genome position (GRCh38, 1-based): chr12:112,453,339, G>T. VCF-style: chr12-112453339-G-T. GRCh37 (hg19) VCF-style: chr12-112891143-G-T.
Other names: c.477G>T, p.Glu159Asp (NM_001330437.2, NM_080601.3); c.474G>T, p.Glu158Asp (NM_001374625.1); short protein forms E158D, E159D.
Identifiers: ClinVar variation 3784974 (VCV003784974.1).
Genomic context (GRCh38, chr12:112,453,339, plus strand): 5'-GAGCCAGAGCCACCCTGGAGATTTTGTTCTTTCTGTGCGCACTGGTGATGACAAAGGGGA[G>T]AGCAATGACGGCAAGTCTAAAGTGACCCATGTTATGATTCGCTGTCAGGTAAATCTCCAG-3'
Protein context (NP_002825.3, residues 149-169): LSVRTGDDKG[Glu159Asp]SNDGKSKVTH

ClinVar aggregate classification (germline): Uncertain significance (1 of 4 stars; one submission).

Conditions:
Cardiovascular phenotype. Identifiers: MedGen CN230736.

Submission:

Ambry Genetics
Classification: Uncertain significance for Cardiovascular phenotype. Last evaluated: 2025-02-26. Review status: criteria provided, single submitter. Criteria: Ambry Variant Classification Scheme 2023. Collection method: clinical testing. Allele origin: germline.
Comment: The p.E159D variant (also known as c.477G>T), located in coding exon 4 of the PTPN11 gene, results from a G to T substitution at nucleotide position 477. The glutamic acid at codon 159 is replaced by aspartic acid, an amino acid with highly similar properties. This amino acid position is conserved. In addition, this alteration is predicted to be tolerated by in silico analysis. Based on the available evidence, the clinical significance of this variant remains unclear.